The following is an entry in ClinVar:

ClinVar aggregate classification (germline): other (0 of 4 stars; one submission).

Conditions:
Familial colorectal cancer. Identifiers: MedGen CN280943, MONDO:0023113. Disease mechanism: loss of function.

Submission:

Systems Biology Platform Zhejiang California International NanoSystems Institute
Classification: other for Familial colorectal cancer. Review status: no assertion criteria provided. Collection method: not provided. Allele origin: unknown.
ClinVar note: Converted during submission from cancer to other.

NM_000038.6(APC):c.-19+8065G>T

Gene: APC (APC regulator of WNT signaling pathway; plus strand). Cytogenetic location: 5q22.2.
Variant type: single nucleotide variant.
Coding change: c.-19+8065G>T on transcript NM_000038.6 (MANE Select); 8065 bases into the intron after 19 bases upstream of the start codon, G replaced by T.
Molecular consequence: intron variant.
Genome position (GRCh38, 1-based): chr5:112,745,990, G>T. VCF-style: chr5-112745990-G-T. GRCh37 (hg19) VCF-style: chr5-112081687-G-T.
Other names: c.-18-8883G>T (NM_001354895.2); c.166-20336G>T (NM_001354897.2, NM_001354902.2, NM_001127511.3); c.-19+7530G>T (NM_001127510.3); c.60+7530G>T (NM_001354898.2, NM_001354904.2); c.-1054+8065G>T (NM_001354906.2); c.-19+8065G>T (NM_001354896.2, NM_001354903.2, NM_001354899.2); c.-43+8065G>T (NM_001354900.2, NM_001354901.2, NM_001354905.2).
Identifiers: ClinVar variation 82778 (VCV000082778.2), dbSNP rs77399711, ClinGen allele CA007069.